The following is an entry in ClinVar:

NM_020442.6(VARS2):c.2383C>T (p.Arg795Trp)

Genes: VARS2 (valyl-tRNA synthetase 2, mitochondrial; plus strand), LOC126859646 (MED14-independent group 3 enhancer GRCh37_chr6:30889690-30890889; plus strand). Cytogenetic location: 6p21.33.
Variant type: single nucleotide variant.
Coding change: c.2383C>T on transcript NM_020442.6 (MANE Select); coding-DNA position 2383, C replaced by T.
Protein change: p.Arg795Trp; replaces arginine 795 with tryptophan.
Molecular consequence: missense variant.
Genome position (GRCh38, 1-based): chr6:30,923,422, C>T. VCF-style: chr6-30923422-C-T. GRCh37 (hg19) VCF-style: chr6-30891199-C-T.
Other names: c.1963C>T, p.Arg655Trp (NM_001167733.3); c.2473C>T, p.Arg825Trp (NM_001167734.2); short protein forms R825W, R795W, R655W.
Identifiers: ClinVar variation 1941227 (VCV001941227.5), dbSNP rs762324080, ClinGen allele CA3706254.
Genomic context (GRCh38, chr6:30,923,422, plus strand): 5'-TCCTCCCCGATGGATGCCTGGATCCTGAGCCGCCTTGCCCTGGCTGCCCAGGAGTGTGAG[C>T]GGGGCTTCCTCACCCGAGAGCTCTCGCTCGTCACTCATGCCCTGCACCACTTCTGGCTTC-3'
Protein context (NP_065175.4, residues 785-805): RLALAAQECE[Arg795Trp]GFLTRELSLV

ClinVar aggregate classification (germline): Uncertain significance (1 of 4 stars; one submission).

Allele frequency attached by ClinVar (database versions not stated): TOPMed below 0.00001; ExAC 0.00001; gnomAD exomes 0.00001.
gnomAD v4.1: 16 of 1,612,198 alleles (0.00099%); highest among the groups gnomAD compares: South Asian, 0.0022%; no homozygotes.

Submission:

Labcorp Genetics (formerly Invitae), Labcorp
Classification: Uncertain significance. Last evaluated: 2024-06-03. Review status: criteria provided, single submitter. Criteria: Invitae Variant Classification Sherloc (09022015). Collection method: clinical testing. Allele origin: germline.
Comment: This sequence change replaces arginine, which is basic and polar, with tryptophan, which is neutral and slightly polar, at codon 825 of the VARS2 protein (p.Arg825Trp). This variant is present in population databases (rs762324080, gnomAD 0.007%). This variant has not been reported in the literature in individuals affected with VARS2-related conditions. ClinVar contains an entry for this variant (Variation ID: 1941227). Advanced modeling of protein sequence and biophysical properties (such as structural, functional, and spatial information, amino acid conservation, physicochemical variation, residue mobility, and thermodynamic stability) performed at Invitae indicates that this missense variant is not expected to disrupt VARS2 protein function with a negative predictive value of 80%. In summary, the available evidence is currently insufficient to determine the role of this variant in disease. Therefore, it has been classified as a Variant of Uncertain Significance.